The following is an entry in ClinVar:

NM_004208.4(AIFM1):c.1495G>T (p.Asp499Tyr)

Genes: RAB33A (RAB33A, member RAS oncogene family; plus strand), AIFM1 (apoptosis inducing factor mitochondria associated 1; minus strand). Cytogenetic location: Xq26.1.
Variant type: single nucleotide variant.
Coding change: c.1495G>T on transcript NM_004208.4 (MANE Select); coding-DNA position 1495, G replaced by T.
Protein change: p.Asp499Tyr; replaces aspartic acid 499 with tyrosine.
Molecular consequence: missense variant. On other transcripts: 3 prime UTR variant (1), non-coding transcript variant (1).
Genome position (GRCh38, 1-based): chrX:130,131,753, C>A on the plus strand (G>T on the coding strand, the complement: AIFM1 is on the minus strand). VCF-style: chrX-130131753-C-A. GRCh37 (hg19) VCF-style: chrX-129265728-C-A.
Other names: c.478G>T, p.Asp160Tyr (NM_001130846.4); c.*723G>T (NM_001130847.4); c.1483G>T, p.Asp495Tyr (NM_145812.3); c.1495G>T (NM_004208.3); short protein forms D160Y, D495Y, D499Y.
Identifiers: ClinVar variation 1481915 (VCV001481915.8), dbSNP rs2124646080, ClinGen allele CA414571135.

ClinVar aggregate classification (germline): Uncertain significance. Review status: criteria provided, multiple submitters, no conflicts (2 of 4 stars). 2 submissions from 2 submitters: Uncertain significance (2). Last evaluated 2023-01-12.

Conditions:
Charcot-Marie-Tooth Neuropathy X. Identifiers: MedGen CN118851.
Combined oxidative phosphorylation deficiency. Identifiers: MedGen C4540031, MONDO:0000732.

Submissions (3):

GeneDx
Classification: Uncertain significance. Last evaluated: 2023-01-12. Review status: criteria provided, single submitter. Criteria: GeneDx Variant Classification Process June 2021. Collection method: clinical testing. Allele origin: germline. Affected: yes.
Comment: Not observed at significant frequency in large population cohorts (gnomAD); In silico analysis supports that this missense variant has a deleterious effect on protein structure/function; Has not been previously published as pathogenic or benign to our knowledge

Labcorp Genetics (formerly Invitae), Labcorp
Classification: Uncertain significance for Charcot-Marie-Tooth Neuropathy X; Combined oxidative phosphorylation deficiency. Last evaluated: 2022-07-05. Review status: criteria provided, single submitter. Criteria: Invitae Variant Classification Sherloc (09022015). Collection method: clinical testing. Allele origin: germline.
Comment: In summary, the available evidence is currently insufficient to determine the role of this variant in disease. Therefore, it has been classified as a Variant of Uncertain Significance. Advanced modeling of protein sequence and biophysical properties (such as structural, functional, and spatial information, amino acid conservation, physicochemical variation, residue mobility, and thermodynamic stability) performed at Invitae indicates that this missense variant is expected to disrupt AIFM1 protein function. ClinVar contains an entry for this variant (Variation ID: 1481915). This variant has not been reported in the literature in individuals affected with AIFM1-related conditions. This variant is not present in population databases (gnomAD no frequency). This sequence change replaces aspartic acid, which is acidic and polar, with tyrosine, which is neutral and polar, at codon 499 of the AIFM1 protein (p.Asp499Tyr).

Dr. Peter K. Rogan Lab, Western University
No classification provided (evidence only). Condition: Thyroid cancer, nonmedullary, 1. Review status: no classification provided. Collection method: in vitro. Allele origin: not applicable. Functional consequence: retained intron. Not counted in ClinVar's aggregate classification.